The following is an entry in ClinVar:

NM_001130438.3(SPTAN1):c.5867T>C (p.Met1956Thr)

Gene: SPTAN1 (spectrin alpha, non-erythrocytic 1; plus strand). Cytogenetic location: 9q34.11.
Variant type: single nucleotide variant.
Coding change: c.5867T>C on transcript NM_001130438.3 (MANE Select); coding-DNA position 5867, T replaced by C.
Protein change: p.Met1956Thr; replaces methionine 1956 with threonine.
Molecular consequence: missense variant.
Genome position (GRCh38, 1-based): chr9:128,624,362, T>C. VCF-style: chr9-128624362-T-C. GRCh37 (hg19) VCF-style: chr9-131386641-T-C.
Other names: c.5792T>C, p.Met1931Thr (NM_001195532.2); c.5867T>C, p.Met1956Thr (NM_001363759.2); c.5807T>C, p.Met1936Thr (NM_001363765.2); c.5852T>C, p.Met1951Thr (NM_003127.4); short protein forms M1956T, M1936T, M1951T, M1931T.
Identifiers: ClinVar variation 238539 (VCV000238539.9), dbSNP rs878854246, ClinGen allele CA10582618.

ClinVar aggregate classification (germline): Uncertain significance (1 of 4 stars; one submission).

Conditions:
Early-infantile DEE. Also called: Ohtahara syndrome; Early infantile epileptic encephalopathy; Early infantile epileptic encephalopathy with suppression bursts. Identifiers: Orphanet 1934, MedGen C0393706, MONDO:0800491.

Submission:

Labcorp Genetics (formerly Invitae), Labcorp
Classification: Uncertain significance for Early-infantile DEE. Last evaluated: 2024-05-01. Review status: criteria provided, single submitter. Criteria: Invitae Variant Classification Sherloc (09022015). Collection method: clinical testing. Allele origin: germline.
Comment: This sequence change replaces methionine, which is neutral and non-polar, with threonine, which is neutral and polar, at codon 1956 of the SPTAN1 protein (p.Met1956Thr). This variant is not present in population databases (gnomAD no frequency). This variant has not been reported in the literature in individuals affected with SPTAN1-related conditions. ClinVar contains an entry for this variant (Variation ID: 238539). Advanced modeling of protein sequence and biophysical properties (such as structural, functional, and spatial information, amino acid conservation, physicochemical variation, residue mobility, and thermodynamic stability) has been performed at Invitae for this missense variant, however the output from this modeling did not meet the statistical confidence thresholds required to predict the impact of this variant on SPTAN1 protein function. In summary, the available evidence is currently insufficient to determine the role of this variant in disease. Therefore, it has been classified as a Variant of Uncertain Significance.